The following is an entry in ClinVar:

ClinVar aggregate classification (germline): Likely benign (0 of 4 stars; one submission).

Conditions:
DVL1-related disorder. Also called: DVL1-related condition.

gnomAD v4.1: 1 of 1,613,554 alleles (0.000062%); highest among the groups gnomAD compares: Admixed American, 0.0017%; no homozygotes.

Submission:

PreventionGenetics, part of Exact Sciences
Classification: Likely benign for DVL1-related condition. Last evaluated: 2023-08-26. Review status: no assertion criteria provided. Collection method: clinical testing. Allele origin: germline.
Comment: This variant is classified as likely benign based on ACMG/AMP sequence variant interpretation guidelines (Richards et al. 2015 PMID: 25741868, with internal and published modifications).

NM_001330311.2(DVL1):c.770-7C>G

Gene: DVL1 (dishevelled segment polarity protein 1; minus strand). Cytogenetic location: 1p36.33.
Variant type: single nucleotide variant.
Coding change: c.770-7C>G on transcript NM_001330311.2 (MANE Select); 7 bases into the intron before coding-DNA position 770, C replaced by G.
Molecular consequence: intron variant.
Genome position (GRCh38, 1-based): chr1:1,340,184, G>C on the plus strand (C>G on the coding strand, the complement: DVL1 is on the minus strand). VCF-style: chr1-1340184-G-C. GRCh37 (hg19) VCF-style: chr1-1275564-G-C.
Other names: c.770-7C>G (NM_004421.3).
Identifiers: ClinVar variation 3052053 (VCV003052053.2), dbSNP rs1287882535, ClinGen allele CA997686293.
Genomic context (GRCh38, chr1:1,340,184, plus strand): 5'-CTCCACGGTCGTTGCTCTGCCCCACGATGCTGATGCCCAGAAAGTGATGTCTTTCTGCAG[G>C]AAGAGCCATGAGCCGCGGCCAAGCCCCTGCCCCTGCCCCCAACCCTCGCCCCGAGGCCTC-3'